The following is an entry in ClinVar:

NM_020180.4(CELF4):c.257_270del (p.Leu86fs)

Gene: CELF4 (CUGBP Elav-like family member 4; minus strand). Cytogenetic location: 18q12.2.
Variant type: Deletion.
Coding change: c.257_270del on transcript NM_020180.4 (MANE Select); coding-DNA positions 257 to 270, 14 bases deleted (TGAAGGACAGGTTC).
Protein change: p.Leu86fs; shifts the reading frame from leucine 86.
Molecular consequence: frameshift variant. On other transcripts: non-coding transcript variant (11).
Genome position (GRCh38, 1-based): chr18:37,565,372-37,565,385, GAACCTGTCCTTCA deleted on the plus strand (TGAAGGACAGGTTC on the coding strand, the reverse complement: CELF4 is on the minus strand); deleting any 14 consecutive bases within chr18:37,565,372-37,565,390 gives the same sequence; the c. name uses the placement nearest the transcript's 3' end. VCF-style (leftmost placement, unchanged base first): chr18-37565371-TGAACCTGTCCTTCA-T. GRCh37 (hg19) VCF-style: chr18-35145334-TGAACCTGTCCTTCA-T.
Other names: c.257_270del, p.Leu86fs (NM_001353749.2, NM_001353750.2, NM_001353751.2 and 61 more transcripts); short protein forms L86fs.
Identifiers: ClinVar variation 3899638 (VCV003899638.1).
Genomic context (GRCh38, chr18:37,565,371, plus strand): 5'-CCGCTCCTGCTCCCCGGCAAAGTTGGGAGGGAAAGGTGTACTCACCTTTGTGCATGCCTG[TGAACCTGTCCTTCA>T]GAACCGTAAGCTCGTAGATTTTGCCAAACTCCTCGAAGAGGGGCTTGAGGTCCTTCTCAT-3'

ClinVar aggregate classification (germline): Uncertain significance (1 of 4 stars; one submission).

Submission:

GeneDx
Classification: Uncertain significance. Last evaluated: 2024-11-13. Review status: criteria provided, single submitter. Criteria: GeneDx Variant Classification Process June 2021. Collection method: clinical testing. Allele origin: germline. Affected: yes.
Comment: Not observed at significant frequency in large population cohorts (gnomAD); Frameshift variant predicted to result in protein truncation or nonsense mediated decay in a gene or region of a gene for which loss of function is not a well-established mechanism of disease; Has not been previously published as pathogenic or benign to our knowledge; Variants in candidate genes are classified as variants of uncertain significance in accordance with ACMG guidelines (PMID: 25741868)